The following is an entry in ClinVar:

NM_001079843.3(CASZ1):c.3027C>A (p.Tyr1009Ter)

Gene: CASZ1 (castor zinc finger 1; minus strand). Cytogenetic location: 1p36.22.
Variant type: single nucleotide variant.
Coding change: c.3027C>A on transcript NM_001079843.3 (MANE Select); coding-DNA position 3027, C replaced by A.
Protein change: p.Tyr1009Ter; replaces tyrosine 1009 with a stop codon.
Molecular consequence: nonsense.
Genome position (GRCh38, 1-based): chr1:10,649,291, G>T on the plus strand (C>A on the coding strand, the complement: CASZ1 is on the minus strand). VCF-style: chr1-10649291-G-T. GRCh37 (hg19) VCF-style: chr1-10709348-G-T.
Other names: c.3027C>A, p.Tyr1009Ter (NM_017766.5); short protein forms Y1009*.
Identifiers: ClinVar variation 4087715 (VCV004087715.1).

ClinVar aggregate classification (germline): Pathogenic (1 of 4 stars; one submission).

Conditions:
CASZ1-related dilated cardiomyopathy.

Submission:

Molecular Genetics Laboratory, Motol Hospital
Classification: Pathogenic for CASZ1-related dilated cardiomyopathy. Last evaluated: 2025-09-26. Review status: criteria provided, single submitter. Criteria: ACMG Guidelines, 2015. Collection method: clinical testing. Allele origin: de novo. Affected: yes. Observed: 1 variant allele.
Comment: Not present in gnomAD (v4.1.0), dbSNP or ClinVar (PM2). Rare loss-of-function variants affecting the CASZ1 gene are associated with autosomal dominant familial dilated cardiomyopathy (PMID:28099117;PMID:31268246) (PVS1). To conclude, the variant is classified as pathogenic (ACMG PM2, PVS1, PS2).

Literature cited by the submitters: PubMed 28099117; PubMed 31268246.